The following is an entry in ClinVar:

ClinVar aggregate classification (germline): Pathogenic. Review status: criteria provided, single submitter (1 of 4 stars). 2 submissions from 2 submitters: Pathogenic (1). 1 of the submissions does not count toward it. Last evaluated 2024-01-08.

Conditions:
Bardet-Biedl syndrome 16 (BBS16). Identifiers: Orphanet 110, MedGen C3889474, MONDO:0014444, OMIM 615993.
Senior-Loken syndrome 7 (SLSN7). Identifiers: Orphanet 3156, MedGen C3150877, MONDO:0013326, OMIM 613615.

Allele frequency attached by ClinVar (database versions not stated): TOPMed below 0.00001; ExAC 0.00001; gnomAD 0.00001; gnomAD exomes 0.00001; ESP Exome Variant Server 0.00008.
gnomAD v4.1: 16 of 1,544,524 alleles (0.001%); highest among the groups gnomAD compares: Non-Finnish European, 0.0014%; no homozygotes.

Submissions (2):

Labcorp Genetics (formerly Invitae), Labcorp
Classification: Pathogenic for Bardet-Biedl syndrome 16; Senior-Loken syndrome 7. Last evaluated: 2024-01-08. Review status: criteria provided, single submitter. Criteria: Invitae Variant Classification Sherloc (09022015). Collection method: clinical testing. Allele origin: germline.
Comment: This sequence change creates a premature translational stop signal (p.Lys227*) in the SDCCAG8 gene. It is expected to result in an absent or disrupted protein product. Loss-of-function variants in SDCCAG8 are known to be pathogenic (PMID: 20835237, 22190896). This variant is present in population databases (rs267607031, gnomAD 0.002%). This premature translational stop signal has been observed in individual(s) with nephronophthisis-related ciliopathies (PMID: 20835237). ClinVar contains an entry for this variant (Variation ID: 61). Algorithms developed to predict the effect of sequence changes on RNA splicing suggest that this variant may disrupt the consensus splice site. For these reasons, this variant has been classified as Pathogenic.

OMIM
Classification: Pathogenic for BARDET-BIEDL SYNDROME 16. Last evaluated: 2011-09-01. Review status: no assertion criteria provided. Collection method: literature only. Allele origin: germline. Not counted in ClinVar's aggregate classification.

Literature cited by the submitters: PubMed 20835237 (cited by Labcorp Genetics (formerly Invitae), Labcorp and OMIM); PubMed 22190896 (cited by Labcorp Genetics (formerly Invitae), Labcorp and OMIM).

NM_006642.5(SDCCAG8):c.679A>T (p.Lys227Ter)

Gene: SDCCAG8 (SHH signaling and ciliogenesis regulator SDCCAG8; plus strand). Cytogenetic location: 1q43.
Variant type: single nucleotide variant.
Coding change: c.679A>T on transcript NM_006642.5 (MANE Select); coding-DNA position 679, A replaced by T.
Protein change: p.Lys227Ter; replaces lysine 227 with a stop codon.
Molecular consequence: nonsense. On other transcripts: 5 prime UTR variant (3).
Genome position (GRCh38, 1-based): chr1:243,304,716, A>T. VCF-style: chr1-243304716-A-T. GRCh37 (hg19) VCF-style: chr1-243468018-A-T.
Other names: c.-434A>T (NM_001350246.2); c.-322A>T (NM_001350247.2); c.775A>T, p.Lys259Ter (NM_001350248.2); c.385A>T, p.Lys129Ter (NM_001350249.2); c.-599A>T (NM_001350251.2); short protein forms K227*, K129*, K259*.
Identifiers: ClinVar variation 61 (VCV000000061.4), dbSNP rs267607031, ClinGen allele CA251368.
Genomic context (GRCh38, chr1:243,304,716, plus strand): 5'-TTACTTATAAAATACAGGACATAGAGAAAAATGTACTTCTATTTTTCTTTTCTATAGGAG[A>T]AGCTAAAACTTACTTATGAGGAAAAGTGTGAAATTGAGGAATCCCAATTGAAGTTTTTGA-3'